The following is an entry in ClinVar:

ClinVar aggregate classification (germline): Likely benign (1 of 4 stars; one submission).

Submission:

CeGaT Center for Human Genetics Tuebingen
Classification: Likely benign. Last evaluated: 2025-08-01. Review status: criteria provided, single submitter. Criteria: CeGaT Center For Human Genetics Tuebingen Variant Classification Criteria Version 2. Collection method: clinical testing. Allele origin: germline. Affected: yes. Observed: 1 variant allele.
Comment: SMARCA4: PM2:Supporting, BP4, BP7

NM_003072.5(SMARCA4):c.2403C>G (p.Arg801=)

Gene: SMARCA4 (SWI/SNF related BAF chromatin remodeling complex subunit ATPase 4; plus strand). Cytogenetic location: 19p13.2.
Variant type: single nucleotide variant.
Coding change: c.2403C>G on transcript NM_003072.5 (MANE Select); coding-DNA position 2403, C replaced by G.
Protein change: p.Arg801=; no amino-acid change (arginine 801 retained).
Molecular consequence: synonymous variant. On other transcripts: non-coding transcript variant (1).
Genome position (GRCh38, 1-based): chr19:11,013,077, C>G. VCF-style: chr19-11013077-C-G. GRCh37 (hg19) VCF-style: chr19-11123753-C-G.
Other names: c.2403C>G, p.Arg801= (NM_001128844.3, NM_001128845.2, NM_001128846.2 and 6 more transcripts).
Identifiers: ClinVar variation 4085789 (VCV004085789.8).